The following is an entry in ClinVar:

NM_006371.5(CRTAP):c.1032T>G (p.Thr344=)

Gene: CRTAP (cartilage associated protein; plus strand). Cytogenetic location: 3p22.3.
Variant type: single nucleotide variant.
Coding change: c.1032T>G on transcript NM_006371.5 (MANE Select); coding-DNA position 1032, T replaced by G.
Protein change: p.Thr344=; no amino-acid change (threonine 344 retained).
Molecular consequence: synonymous variant.
Genome position (GRCh38, 1-based): chr3:33,132,664, T>G. VCF-style: chr3-33132664-T-G. GRCh37 (hg19) VCF-style: chr3-33174156-T-G.
Other names: p.Thr344=; c.1032T>G, p.Thr344= (NM_001393363.1); c.903T>G, p.Thr301= (NM_001393364.1); c.882T>G, p.Thr294= (NM_001393365.1).
Identifiers: ClinVar variation 259968 (VCV000259968.34), dbSNP rs1135127, ClinGen allele CA2300470.

ClinVar aggregate classification (germline): Benign. Review status: criteria provided, multiple submitters, no conflicts (2 of 4 stars). 11 submissions from 11 submitters: Benign (9). 2 of the submissions do not count toward it. Last evaluated 2026-02-04.

Conditions:
Osteogenesis imperfecta type 7 (OI7). Also called: OSTEOGENESIS IMPERFECTA, TYPE IIB; Osteogenesis imperfecta type 2B; OI type 2B; Osteogenesis imperfecta, perinatal lethal autosomal recessive; OI type IIB; OI type 7. Identifiers: MedGen C1853162, MONDO:0012536, OMIM 610682.

Allele frequency attached by ClinVar (database versions not stated): 1000 Genomes Project 30x 0.29247; 1000 Genomes Project 0.29353; TOPMed 0.34664; gnomAD 0.36088; ESP Exome Variant Server 0.38436.
gnomAD v4.1: 652,633 of 1,612,246 alleles (40%); highest among the groups gnomAD compares: Middle Eastern, 51%; 137,016 homozygotes.

Submissions (11):

Labcorp Genetics (formerly Invitae), Labcorp
Classification: Benign for Osteogenesis imperfecta type 7. Last evaluated: 2026-02-04. Review status: criteria provided, single submitter. Criteria: Invitae Variant Classification Sherloc (09022015). Collection method: clinical testing. Allele origin: germline.

ARUP Laboratories, Molecular Genetics and Genomics, ARUP Laboratories
Classification: Benign for Osteogenesis imperfecta type 7. Last evaluated: 2025-06-24. Review status: criteria provided, single submitter. Criteria: ARUP Molecular Germline Variant Investigation Process 2024. Collection method: clinical testing. Allele origin: germline.

Blueprint Genetics
Classification: Benign. Last evaluated: 2024-11-26. Review status: criteria provided, single submitter. Criteria: ACMG Guidelines, 2015. Collection method: clinical testing. Allele origin: germline.

Mayo Clinic Laboratories, Mayo Clinic
Classification: Benign. Last evaluated: 2022-04-26. Review status: criteria provided, single submitter. Criteria: ACMG Guidelines, 2015. Collection method: clinical testing. Allele origin: germline. Observed: 71 variant alleles.

Genome-Nilou Lab
Classification: Benign for Osteogenesis imperfecta type 7. Last evaluated: 2021-07-30. Review status: criteria provided, single submitter. Criteria: ACMG Guidelines, 2015. Collection method: clinical testing. Allele origin: germline. Affected: no.

Illumina Laboratory Services, Illumina
Classification: Benign for Osteogenesis imperfecta type 7. Last evaluated: 2018-01-13. Review status: criteria provided, single submitter. Criteria: ICSL Variant Classification Criteria 13 December 2019. Collection method: clinical testing. Allele origin: germline.
Comment: This variant was observed in the ICSL laboratory as part of a predisposition screen in an ostensibly healthy population. It had not been previously curated by ICSL or reported in the Human Gene Mutation Database (HGMD: prior to June 1st, 2018), and was therefore a candidate for classification through an automated scoring system. Utilizing variant allele frequency, disease prevalence and penetrance estimates, and inheritance mode, an automated score was calculated to assess if this variant is too frequent to cause the disease. Based on the score and internal cut-off values, a variant classified as benign is not then subjected to further curation. The score for this variant resulted in a classification of benign for this disease.

GeneDx
Classification: Benign. Last evaluated: 2016-03-03. Review status: criteria provided, single submitter. Criteria: GeneDx Variant Classification (06012015). Collection method: clinical testing. Allele origin: germline. Affected: yes.
Comment: This variant is considered likely benign or benign based on one or more of the following criteria: it is a conservative change, it occurs at a poorly conserved position in the protein, it is predicted to be benign by multiple in silico algorithms, and/or has population frequency not consistent with disease.

Breakthrough Genomics
Classification: Benign. Review status: criteria provided, single submitter. Criteria: ACMG Guidelines, 2015. Collection method: not provided. Allele origin: germline. Inheritance: Autosomal recessive inheritance. Affected: yes.

PreventionGenetics, part of Exact Sciences
Classification: Benign. Review status: criteria provided, single submitter. Criteria: ACMG Guidelines, 2015. Collection method: clinical testing. Allele origin: germline.

Diagnostic Laboratory, Department of Genetics, University Medical Center Groningen
Classification: Benign for Osteogenesis imperfecta type 7. Review status: no assertion criteria provided. Collection method: clinical testing. Allele origin: germline. Affected: yes. Study: VKGL Data-share Consensus. Not counted in ClinVar's aggregate classification.

Genome Diagnostics Laboratory, Amsterdam University Medical Center
Classification: Benign. Review status: no assertion criteria provided. Collection method: clinical testing. Allele origin: germline. Affected: yes. Study: VKGL Data-share Consensus. Not counted in ClinVar's aggregate classification.